The following is an entry in ClinVar:

NM_201384.3(PLEC):c.5502G>T (p.Val1834=)

Gene: PLEC (plectin; minus strand). Cytogenetic location: 8q24.3.
Variant type: single nucleotide variant.
Coding change: c.5502G>T on transcript NM_201384.3 (MANE Select); coding-DNA position 5502, G replaced by T.
Protein change: p.Val1834=; no amino-acid change (valine 1834 retained).
Molecular consequence: synonymous variant. On other transcripts: intron variant (1).
Genome position (GRCh38, 1-based): chr8:143,924,427, C>A on the plus strand (G>T on the coding strand, the complement: PLEC is on the minus strand). VCF-style: chr8-143924427-C-A. GRCh37 (hg19) VCF-style: chr8-144998595-C-A.
Other names: c.5436G>T, p.Val1812= (NM_201379.3); c.5913G>T, p.Val1971= (NM_201380.4); c.5406G>T, p.Val1802= (NM_201381.3); c.5502G>T, p.Val1834= (NM_201382.4); c.5514G>T, p.Val1838= (NM_201383.3); c.4126-2032G>T (NM_001410941.1); c.5583G>T, p.Val1861= (NM_000445.5); c.5460G>T, p.Val1820= (NM_201378.4).
Identifiers: ClinVar variation 4681553 (VCV004681553.6).

ClinVar aggregate classification (germline): Likely benign. Review status: criteria provided, multiple submitters, no conflicts (2 of 4 stars). 2 submissions from 2 submitters: Likely benign (2). Last evaluated 2025-12-01.

Conditions:
Epidermolysis bullosa simplex with nail dystrophy (EBS5D). Identifiers: MedGen C4225309, MONDO:0014661, OMIM 616487.
Epidermolysis bullosa simplex, Ogna type (EBS5A). Also called: Pidermolysis bullosa simplex 5A, Ogna type; EPIDERMOLYSIS BULLOSA SIMPLEX 5A, OGNA TYPE. Identifiers: Orphanet 79401, MedGen C0432317, MONDO:0007555, OMIM 131950.
Autosomal recessive limb-girdle muscular dystrophy type 2Q (LGMDR17). Also called: MUSCULAR DYSTROPHY, LIMB-GIRDLE, AUTOSOMAL RECESSIVE 17. Identifiers: Orphanet 254361, MedGen C3150989, MONDO:0013390, OMIM 613723.
Epidermolysis bullosa simplex 5B, with muscular dystrophy (EBS5B). Also called: EPIDERMOLYSIS BULLOSA SIMPLEX AND LIMB-GIRDLE MUSCULAR DYSTROPHY; Epidermolysis bullosa simplex with muscular dystrophy. Identifiers: Orphanet 257, MedGen C2931072, MONDO:0009181, OMIM 226670.
Epidermolysis bullosa simplex 5C, with pyloric atresia (EBS5C). Also called: PLEC-Related Epidermolysis Bullosa with Pyloric Atresia; Epidermolysis bullosa simplex with pyloric atresia; PLEC1-Related Epidermolysis Bullosa with Pyloric Atresia. Identifiers: Orphanet 158684, MedGen C2677349, MONDO:0012807, OMIM 612138.

gnomAD v4.1: 6 of 1,587,648 alleles (0.00038%); highest among the groups gnomAD compares: Non-Finnish European, 0.00043%; no homozygotes.

Submissions (2):

CeGaT Center for Human Genetics Tuebingen
Classification: Likely benign. Last evaluated: 2025-12-01. Review status: criteria provided, single submitter. Criteria: CeGaT Center For Human Genetics Tuebingen Variant Classification Criteria Version 2. Collection method: clinical testing. Allele origin: germline. Affected: yes. Observed: 1 variant allele.
Comment: PLEC: BP4, BP7

Labcorp Genetics (formerly Invitae), Labcorp
Classification: Likely benign for Autosomal recessive limb-girdle muscular dystrophy type 2Q; Epidermolysis bullosa simplex, Ogna type; Epidermolysis bullosa simplex with nail dystrophy; Epidermolysis bullosa simplex 5C, with pyloric atresia; Epidermolysis bullosa simplex 5B, with muscular dystrophy. Last evaluated: 2025-07-21. Review status: criteria provided, single submitter. Criteria: Invitae Variant Classification Sherloc (09022015). Collection method: clinical testing. Allele origin: germline.